The following is an entry in ClinVar:

NM_004415.4(DSP):c.7388A>G (p.Lys2463Arg)

Gene: DSP (desmoplakin; plus strand). Cytogenetic location: 6p24.3.
Variant type: single nucleotide variant.
Coding change: c.7388A>G on transcript NM_004415.4 (MANE Select); coding-DNA position 7388, A replaced by G.
Protein change: p.Lys2463Arg; replaces lysine 2463 with arginine.
Molecular consequence: missense variant.
Genome position (GRCh38, 1-based): chr6:7,584,650, A>G. VCF-style: chr6-7584650-A-G. GRCh37 (hg19) VCF-style: chr6-7584883-A-G.
Other names: c.5591A>G, p.Lys1864Arg (NM_001008844.3); c.6059A>G, p.Lys2020Arg (NM_001319034.2); short protein forms K1864R, K2020R, K2463R.
Identifiers: ClinVar variation 3338758 (VCV003338758.1).

ClinVar aggregate classification (germline): Uncertain significance (1 of 4 stars; one submission).

gnomAD v4.1: 2 of 1,614,170 alleles (0.00012%); highest among the groups gnomAD compares: South Asian, 0.0011%; no homozygotes.

Submission:

GeneDx
Classification: Uncertain significance. Last evaluated: 2023-09-12. Review status: criteria provided, single submitter. Criteria: GeneDx Variant Classification Process June 2021. Collection method: clinical testing. Allele origin: germline. Affected: yes.
Comment: Not observed at significant frequency in large population cohorts (gnomAD); In silico analysis supports that this missense variant does not alter protein structure/function; Has not been previously published as pathogenic or benign to our knowledge